The following is an entry in ClinVar:

NM_000143.4(FH):c.298A>G (p.Lys100Glu)

Gene: FH (fumarate hydratase; minus strand). Cytogenetic location: 1q43.
Variant type: single nucleotide variant.
Coding change: c.298A>G on transcript NM_000143.4 (MANE Select); coding-DNA position 298, A replaced by G.
Protein change: p.Lys100Glu; replaces lysine 100 with glutamic acid.
Molecular consequence: missense variant.
Genome position (GRCh38, 1-based): chr1:241,513,683, T>C on the plus strand (A>G on the coding strand, the complement: FH is on the minus strand). VCF-style: chr1-241513683-T-C. GRCh37 (hg19) VCF-style: chr1-241676983-T-C.
Other names: short protein forms K100E.
Identifiers: ClinVar variation 3648633 (VCV003648633.6).
Genomic context (GRCh38, chr1:241,513,683, plus strand): 5'-TTGCATTAGCAATCTTTGGATCAAGACCATAATCCTGGTTTACTTCAGCGGCCGCTCGCT[T>C]CAAGATGCCAAAAGCTTTAATAACTGGGGTCTAAAATTAATCAGAAAAATATTTCAAATT-3'
Protein context (NP_000134.2, residues 90-110): TPVIKAFGIL[Lys100Glu]RAAAEVNQDY

ClinVar aggregate classification (germline): Conflicting classifications of pathogenicity. Review status: criteria provided, conflicting classifications (1 of 4 stars). 3 submissions from 3 submitters: Likely pathogenic (2); Uncertain significance (1). Last evaluated 2026-07-20.

Conditions:
Hereditary cancer-predisposing syndrome. Also called: Hereditary neoplastic syndrome; Neoplastic Syndromes, Hereditary; Tumor predisposition; Hereditary Cancer Syndrome. Identifiers: Orphanet 140162, MedGen C0027672, MeSH D009386, MONDO:0015356.
Hereditary leiomyomatosis and renal cell cancer. Also called: MULTIPLE CUTANEOUS AND UTERINE LEIOMYOMATA 1, WITH OR WITHOUT RENAL CELL CARCINOMA; LEIOMYOMA, MULTIPLE CUTANEOUS; Multiple cutaneous leiomyomas; Reed syndrome; Multiple cutaneous and uterine leiomyomatosis; Cutaneous leiomyomata with uterine leiomyomata. Identifiers: Orphanet 523, MedGen C1708350, MONDO:0007888, OMIM 150800, HP:0007437. Disease mechanism: loss of function.

Submissions (3):

Institute of Human Genetics, University of Leipzig Medical Center
Classification: Likely pathogenic for Hereditary leiomyomatosis and renal cell cancer. Last evaluated: 2026-07-20. Review status: criteria provided, single submitter. Criteria: ACMG Guidelines, 2015. Collection method: clinical testing. Allele origin: unknown. Inheritance: Autosomal dominant inheritance. Affected: yes.
Comment: Criteria applied: PM2,PS3_SUP,PS4_SUP,PP3,PP4

Ambry Genetics
Classification: Likely pathogenic for Hereditary cancer-predisposing syndrome. Last evaluated: 2025-03-24. Review status: criteria provided, single submitter. Criteria: Ambry Variant Classification Scheme 2023. Collection method: clinical testing. Allele origin: germline.
Comment: The p.K100E variant (also known as c.298A>G), located in coding exon 3 of the FH gene, results from an A to G substitution at nucleotide position 298. The lysine at codon 100 is replaced by glutamic acid, an amino acid with similar properties. This variant was reported in individual(s) with features consistent with hereditary leiomyomatosis and renal cell cancer (Ambry internal data). This amino acid position is conserved. This variant is considered to be rare based on population cohorts in the Genome Aggregation Database (gnomAD). In addition, this alteration is predicted to be deleterious by in silico analysis. Based on the majority of available evidence to date, this variant is likely to be pathogenic.

Labcorp Genetics (formerly Invitae), Labcorp
Classification: Uncertain significance. Last evaluated: 2024-04-03. Review status: criteria provided, single submitter. Criteria: Invitae Variant Classification Sherloc (09022015). Collection method: clinical testing. Allele origin: germline.
Comment: This sequence change replaces lysine, which is basic and polar, with glutamic acid, which is acidic and polar, at codon 100 of the FH protein (p.Lys100Glu). This variant is not present in population databases (gnomAD no frequency). This variant has not been reported in the literature in individuals affected with FH-related conditions. Advanced modeling of protein sequence and biophysical properties (such as structural, functional, and spatial information, amino acid conservation, physicochemical variation, residue mobility, and thermodynamic stability) performed at Invitae indicates that this missense variant is expected to disrupt FH protein function with a positive predictive value of 95%. In summary, the available evidence is currently insufficient to determine the role of this variant in disease. Therefore, it has been classified as a Variant of Uncertain Significance.